The following is an entry in ClinVar:

NM_001033855.3(DCLRE1C):c.571C>T (p.Arg191Ter)

Gene: DCLRE1C (DNA cross-link repair 1C; minus strand). Cytogenetic location: 10p13.
Variant type: single nucleotide variant.
Coding change: c.571C>T on transcript NM_001033855.3 (MANE Select); coding-DNA position 571, C replaced by T.
Protein change: p.Arg191Ter; replaces arginine 191 with a stop codon.
Molecular consequence: nonsense. On other transcripts: non-coding transcript variant (4).
Genome position (GRCh38, 1-based): chr10:14,934,487, G>A on the plus strand (C>T on the coding strand, the complement: DCLRE1C is on the minus strand). VCF-style: chr10-14934487-G-A. GRCh37 (hg19) VCF-style: chr10-14976486-G-A.
Other names: NM_001033855.3(DCLRE1C):c.571C>T; p.Arg191Ter; c.211C>T, p.Arg71Ter (NM_001033857.3, NM_001033858.3, NM_001289077.2 and 2 more transcripts); c.226C>T, p.Arg76Ter (NM_001289076.2, NM_001289078.2, NM_001350966.2 and 1 more transcripts); c.571C>T, p.Arg191Ter (NM_001350965.2); short protein forms R191*, R71*, R76*.
Identifiers: ClinVar variation 1322192 (VCV001322192.15), dbSNP rs752655158, ClinGen allele CA5416778.
Genomic context (GRCh38, chr10:14,934,487, plus strand): 5'-CATAAGCCGCTTTGCAGTTCAGCCACACAACATGGTACGGGCTCCGAGTGATCCAGCTTC[G>A]GACCAGCTCTAAGACTCCACTTAAACACTCCTCCTAGACAGGATTTTAAAGAGACATTTA-3'

ClinVar aggregate classification (germline): Pathogenic. Review status: reviewed by expert panel (3 of 4 stars). 5 submissions from 5 submitters: Pathogenic (1). 4 of the submissions do not count toward it. Last evaluated 2024-03-08.

Conditions:
Severe combined immunodeficiency due to DCLRE1C deficiency (RS-SCID). Also called: SCID, AUTOSOMAL RECESSIVE, T CELL-NEGATIVE, B CELL-NEGATIVE, NK CELL-POSITIVE, WITH SENSITIVITY TO IONIZING RADIATION. Identifiers: Orphanet 275, MedGen C1865371, MONDO:0011225, OMIM 602450.
Histiocytic medullary reticulosis. Also called: SEVERE COMBINED IMMUNODEFICIENCY WITH HYPEREOSINOPHILIA; Omenn syndrome. Identifiers: Orphanet 39041, MedGen C2700553, MONDO:0011338, OMIM 603554.

Allele frequency attached by ClinVar (database versions not stated): gnomAD exomes below 0.00001; TOPMed below 0.00001; ExAC 0.00001.
gnomAD v4.1: 10 of 1,614,054 alleles (0.00062%); highest among the groups gnomAD compares: South Asian, 0.0022%; no homozygotes.

Submissions (5):

ClinGen Severe Combined Immunodeficiency Variant Curation Expert Panel, ClinGen
Classification: Pathogenic for Severe combined immunodeficiency due to DCLRE1C deficiency. Last evaluated: 2024-03-08. Review status: reviewed by expert panel. Criteria: ClinGen SCID ACMG Specifications DCLRE1C V1.0.0. Collection method: curation. Allele origin: germline. Inheritance: Autosomal recessive inheritance.
Comment: The c.571C>T (p.Arg191Ter)(NM_001033855.3) variant in DCLRE1C is a nonsense variant predicted to cause a premature stop codon in biologically relevant exon 8/14 leading to nonsense-mediated decay in a gene in which loss-of-function is an established disease mechanism (PVS1 is met). The filtering allele frequency (the upper threshold of the 95% CI of 2/86258 alleles) of the c.571C>T variant in DCLRE1C is 0.000003850 for South Asian chromosomes by gnomAD v4, which is lower than the ClinGen SCID VCEP threshold (<0.00003266) for PM2_Supporting, and therefore meets this criterion (PM2_Supporting). No homozygotes have been observed in gnomAD. Activity levels in % of WT activity = Recombination: Mean (SD): 0 (0.87) and DNA repair (36h after IR): Mean (SD): 0 (12.11). Both values are lower than our established threshold for abnormal results (defined as <25% of wild-type activity). Thus, PS3 is Met at a moderate level (PMID: 25917813). In summary, this variant meets the criteria to be classified as Pathogenic for autosomal recessive severe combined immunodeficiency due to DCLRE1C deficiency, based on the ACMG/AMP criteria applied, as specified by the ClinGen SCID VCEP. Criteria applied: PVS1, PM2_Supporting, and PS3_Moderate (VCEP specifications version 1).

Labcorp Genetics (formerly Invitae), Labcorp
Classification: Pathogenic for Athabaskan severe combined immunodeficiency. Last evaluated: 2025-10-17. Review status: criteria provided, single submitter. Criteria: Invitae Variant Classification Sherloc (09022015). Collection method: clinical testing. Allele origin: germline. Not counted in ClinVar's aggregate classification.
Comment: This sequence change creates a premature translational stop signal (p.Arg191*) in the DCLRE1C gene. It is expected to result in an absent or disrupted protein product. Loss-of-function variants in DCLRE1C are known to be pathogenic (PMID: 21664875, 26123418). This variant is present in population databases (rs752655158, gnomAD 0.003%). This premature translational stop signal has been observed in individual(s) with DCLRE1C-related conditions (PMID: 25917813, 32888943). ClinVar contains an entry for this variant (Variation ID: 1322192). Algorithms developed to predict the effect of variants on gene product structure and function are not available or were not evaluated for this variant. Experimental studies have shown that this premature translational stop signal affects DCLRE1C function (PMID: 25917813). For these reasons, this variant has been classified as Pathogenic.

Fulgent Genetics
Classification: Pathogenic for Severe combined immunodeficiency due to DCLRE1C deficiency; Histiocytic medullary reticulosis. Last evaluated: 2024-03-20. Review status: criteria provided, single submitter. Criteria: ACMG Guidelines, 2015. Collection method: clinical testing. Allele origin: germline. Not counted in ClinVar's aggregate classification.

Baylor Genetics
Classification: Pathogenic for Histiocytic medullary reticulosis. Last evaluated: 2024-03-14. Review status: criteria provided, single submitter. Criteria: ACMG Guidelines, 2015. Collection method: clinical testing. Allele origin: unknown. Not counted in ClinVar's aggregate classification.

Revvity Omics, Revvity
Classification: Pathogenic. Last evaluated: 2021-09-09. Review status: criteria provided, single submitter. Criteria: ACMG Guidelines, 2015. Collection method: clinical testing. Allele origin: germline. Not counted in ClinVar's aggregate classification.

Literature cited by the submitters: PubMed 25917813 (cited by ClinGen Severe Combined Immunodeficiency Variant Curation Expert Panel, ClinGen and Labcorp Genetics (formerly Invitae), Labcorp); PubMed 21664875 (cited by Labcorp Genetics (formerly Invitae), Labcorp); PubMed 26123418 (cited by Labcorp Genetics (formerly Invitae), Labcorp); PubMed 32888943 (cited by Labcorp Genetics (formerly Invitae), Labcorp).